The following is an entry in ClinVar:

ClinVar aggregate classification (germline): Uncertain significance. Review status: criteria provided, multiple submitters, no conflicts (2 of 4 stars). 2 submissions from 2 submitters: Uncertain significance (2). Last evaluated 2025-09-03.

Conditions:
Progressive myoclonic epilepsy type 7. Identifiers: Orphanet 435438, MedGen C4015420, MONDO:0014521, OMIM 616187.
Inborn genetic diseases. Identifiers: MedGen C0950123, MeSH D030342.

gnomAD v4.1: 1 of 1,614,234 alleles (0.000062%); highest among the groups gnomAD compares: Admixed American, 0.0017%; no homozygotes.

Submissions (2):

Labcorp Genetics (formerly Invitae), Labcorp
Classification: Uncertain significance for Progressive myoclonic epilepsy type 7. Last evaluated: 2025-09-03. Review status: criteria provided, single submitter. Criteria: Invitae Variant Classification Sherloc (09022015). Collection method: clinical testing. Allele origin: germline.
Comment: This sequence change replaces arginine, which is basic and polar, with proline, which is neutral and non-polar, at codon 228 of the KCNC1 protein (p.Arg228Pro). This variant is present in population databases (no rsID available, gnomAD 0.003%). This variant has not been reported in the literature in individuals affected with KCNC1-related conditions. ClinVar contains an entry for this variant (Variation ID: 1439052). Invitae Evidence Modeling of protein sequence and biophysical properties (such as structural, functional, and spatial information, amino acid conservation, physicochemical variation, residue mobility, and thermodynamic stability) indicates that this missense variant is not expected to disrupt KCNC1 protein function with a negative predictive value of 95%. In summary, the available evidence is currently insufficient to determine the role of this variant in disease. Therefore, it has been classified as a Variant of Uncertain Significance.

Ambry Genetics
Classification: Uncertain significance for Inborn genetic diseases. Last evaluated: 2017-09-26. Review status: criteria provided, single submitter. Criteria: Ambry Variant Classification Scheme 2023. Collection method: clinical testing. Allele origin: germline.
Comment: The p.R228P variant (also known as c.683G>C), located in coding exon 2 of the KCNC1 gene, results from a G to C substitution at nucleotide position 683. The arginine at codon 228 is replaced by proline, an amino acid with dissimilar properties. This amino acid position is not well conserved in available vertebrate species. In addition, the in silico prediction for this alteration is inconclusive. Since supporting evidence is limited at this time, the clinical significance of this alteration remains unclear.

NM_001112741.2(KCNC1):c.683G>C (p.Arg228Pro)

Gene: KCNC1 (potassium voltage-gated channel subfamily C member 1; plus strand). Cytogenetic location: 11p15.1.
Variant type: single nucleotide variant.
Coding change: c.683G>C on transcript NM_001112741.2 (MANE Select); coding-DNA position 683, G replaced by C.
Protein change: p.Arg228Pro; replaces arginine 228 with proline.
Molecular consequence: missense variant.
Genome position (GRCh38, 1-based): chr11:17,771,777, G>C. VCF-style: chr11-17771777-G-C. GRCh37 (hg19) VCF-style: chr11-17793324-G-C.
Other names: c.683G>C, p.Arg228Pro (NM_004976.4); short protein forms R228P.
Identifiers: ClinVar variation 1439052 (VCV001439052.8), dbSNP rs200873319, ClinGen allele CA218468474.